The following is an entry in ClinVar:

NM_018684.4(ZC4H2):c.592C>T (p.Arg198Trp)

Gene: ZC4H2 (zinc finger C4H2-type containing; minus strand). Cytogenetic location: Xq11.2.
Variant type: single nucleotide variant.
Coding change: c.592C>T on transcript NM_018684.4 (MANE Select); coding-DNA position 592, C replaced by T.
Protein change: p.Arg198Trp; replaces arginine 198 with tryptophan.
Molecular consequence: missense variant. On other transcripts: synonymous variant (1), non-coding transcript variant (1).
Genome position (GRCh38, 1-based): chrX:64,917,866, G>A on the plus strand (C>T on the coding strand, the complement: ZC4H2 is on the minus strand). VCF-style: chrX-64917866-G-A. GRCh37 (hg19) VCF-style: chrX-64137746-G-A.
Other names: c.523C>T, p.Arg175Trp (NM_001178032.3, NM_001243804.2); c.429C>T, p.Thr143= (NM_001178033.3); short protein forms R198W, R175W.
Identifiers: ClinVar variation 432364 (VCV000432364.25), dbSNP rs137962226, ClinGen allele CA413411210.

ClinVar aggregate classification (germline): Pathogenic/Likely pathogenic. Review status: criteria provided, multiple submitters, no conflicts (2 of 4 stars). 8 submissions from 8 submitters: Pathogenic (3); Likely pathogenic (3). 2 of the submissions do not count toward it. Last evaluated 2025-09-01.

Conditions:
ZC4H2-related disorder. Also called: ZC4H2-related condition.
Wieacker-Wolff syndrome (spectrum). Identifiers: MedGen CN294724, MONDO:0025445.
Wieacker-Wolff syndrome. Also called: Wieacker-Wolff, X-linked recessive; APRAXIA, OCULOMOTOR, WITH CONGENITAL CONTRACTURES AND MUSCLE ATROPHY; CONTRACTURES OF FEET, MUSCLE ATROPHY, AND OCULOMOTOR APRAXIA; Intellectual disability-developmental delay-contractures syndrome; MENTAL RETARDATION, X-LINKED, SYNDROMIC 4; MENTAL RETARDATION, X-LINKED, WITH CONGENITAL CONTRACTURES AND LOW FINGERTIP ARCHES. Identifiers: Orphanet 3454, Orphanet 85283, MedGen C0796200, MONDO:0010758, OMIM 314580.
Wieacker-Wolff syndrome, female-restricted (WRWFFR). Identifiers: MedGen C5393303, MONDO:0026762, OMIM 301041.

Submissions (8):

CeGaT Center for Human Genetics Tuebingen
Classification: Likely pathogenic. Last evaluated: 2025-09-01. Review status: criteria provided, single submitter. Criteria: CeGaT Center For Human Genetics Tuebingen Variant Classification Criteria Version 2. Collection method: clinical testing. Allele origin: germline. Affected: yes. Observed: 1 variant allele.
Comment: ZC4H2: PM2, PM5, PS4:Moderate, PP2

Victorian Clinical Genetics Services, Murdoch Childrens Research Institute
Classification: Pathogenic for Wieacker-Wolff syndrome (spectrum). Last evaluated: 2025-06-16. Review status: criteria provided, single submitter. Criteria: ACMG Guidelines, 2015. Collection method: clinical testing. Allele origin: germline. Affected: yes.
Comment: This variant is classified as Pathogenic. Evidence in support of pathogenic classification: Variant is absent from gnomAD (v2, v3 and v4); This variant has strong previous evidence of pathogenicity in unrelated individuals. This variant has been classified as likely pathogenic and pathogenic by clinical laboratories in ClinVar; Other missense variant(s) comparable to the one identified in this case have strong previous evidence for pathogenicity. p.(Arg198Gly) and p.(Arg198Gln) have been classified as likely pathogenic and pathogenic, respectively, by clinical laboratories in ClinVar. p.(Arg198Gln) has also been reported in the literature in three families with neurogenic arthrogryposis multiplex congenita, in both familial and de novo cases (PMIDs: 23623388, 31206972); Missense variant predicted to be damaging by in silico tool(s) or highly conserved with a major amino acid change; Additional information: Variant is predicted to result in a missense amino acid change from arginine to tryptophan; This variant is heterozygous; This gene is associated with both X linked recessive and dominant disease. Affected males with X linked recessive inheritance typically have missense variants that are presumed hypomorphic, while affected females with X linked dominant inheritance tend to have de novo loss of function variants, although affected carrier females have been documented with either type of variant (ClinGen: CCID:006572); Loss of function is a known mechanism of disease for this gene and is associated with both Wieacker-Wolff syndrome (MIM#314580) and female-restricted Wieacker-Wolff syndrome (MIM#301041).

GeneDx
Classification: Pathogenic. Last evaluated: 2024-12-19. Review status: criteria provided, single submitter. Criteria: GeneDx Variant Classification Process June 2021. Collection method: clinical testing. Allele origin: germline. Affected: yes.
Comment: Not observed at significant frequency in large population cohorts (gnomAD); In silico analysis supports that this missense variant has a deleterious effect on protein structure/function; This variant is associated with the following publications: (PMID: 33820833, 37236975)

Blueprint Genetics
Classification: Pathogenic for ZC4H2-related disorders. Last evaluated: 2024-01-03. Review status: criteria provided, single submitter. Criteria: ACMG Guidelines, 2015. Collection method: clinical testing. Allele origin: germline. Affected: yes. Observed: 2 variant alleles.

Fulgent Genetics
Classification: Likely pathogenic for Wieacker-Wolff syndrome, female-restricted; Wieacker-Wolff syndrome. Last evaluated: 2022-03-22. Review status: criteria provided, single submitter. Criteria: ACMG Guidelines, 2015. Collection method: clinical testing. Allele origin: unknown.

Genomic Medicine Lab, University of California San Francisco
Classification: Likely pathogenic for Wieacker-Wolff syndrome. Last evaluated: 2019-03-07. Review status: criteria provided, single submitter. Criteria: ACMG Guidelines, 2015. Collection method: clinical testing. Allele origin: de novo. Inheritance: X-linked inheritance. Affected: yes. Study: CSER.

Genome Diagnostics Laboratory, Amsterdam University Medical Center
Classification: Pathogenic. Review status: no assertion criteria provided. Collection method: clinical testing. Allele origin: germline. Affected: yes. Study: VKGL Data-share Consensus. Not counted in ClinVar's aggregate classification.

Joint Genome Diagnostic Labs from Nijmegen and Maastricht, Radboudumc and MUMC+
Classification: Likely pathogenic. Review status: no assertion criteria provided. Collection method: clinical testing. Allele origin: germline. Affected: yes. Study: VKGL Data-share Consensus. Not counted in ClinVar's aggregate classification.

Literature cited by the submitters: PubMed 23623388 (cited by Victorian Clinical Genetics Services, Murdoch Childrens Research Institute); PubMed 31206972 (cited by Victorian Clinical Genetics Services, Murdoch Childrens Research Institute).